The following is an entry in ClinVar:

ClinVar aggregate classification (germline): Uncertain significance (1 of 4 stars; one submission).

Conditions:
Intellectual disability, CASK-related, X-linked. Identifiers: MedGen CN043158.

Submission:

Labcorp Genetics (formerly Invitae), Labcorp
Classification: Uncertain significance for Intellectual disability, CASK-related, X-linked. Last evaluated: 2024-10-04. Review status: criteria provided, single submitter. Criteria: Invitae Variant Classification Sherloc (09022015). Collection method: clinical testing. Allele origin: germline.
Comment: This sequence change replaces arginine, which is basic and polar, with histidine, which is basic and polar, at codon 281 of the CASK protein (p.Arg281His). This variant is not present in population databases (gnomAD no frequency). This variant has not been reported in the literature in individuals affected with CASK-related conditions. Invitae Evidence Modeling of protein sequence and biophysical properties (such as structural, functional, and spatial information, amino acid conservation, physicochemical variation, residue mobility, and thermodynamic stability) indicates that this missense variant is not expected to disrupt CASK protein function with a negative predictive value of 80%. In summary, the available evidence is currently insufficient to determine the role of this variant in disease. Therefore, it has been classified as a Variant of Uncertain Significance.

NM_001367721.1(CASK):c.842G>A (p.Arg281His)

Gene: CASK (calcium/calmodulin dependent serine protein kinase; minus strand). Cytogenetic location: Xp11.4.
Variant type: single nucleotide variant.
Coding change: c.842G>A on transcript NM_001367721.1 (MANE Select); coding-DNA position 842, G replaced by A.
Protein change: p.Arg281His; replaces arginine 281 with histidine.
Molecular consequence: missense variant.
Genome position (GRCh38, 1-based): chrX:41,636,651, C>T on the plus strand (G>A on the coding strand, the complement: CASK is on the minus strand). VCF-style: chrX-41636651-C-T. GRCh37 (hg19) VCF-style: chrX-41495904-C-T.
Other names: c.842G>A, p.Arg281His (NM_001126054.3, NM_001126055.3, NM_001410745.1 and 1 more transcripts); short protein forms R281H.
Identifiers: ClinVar variation 3700466 (VCV003700466.2).